The following is an entry in ClinVar:

NM_198525.3(KIF7):c.4025C>G (p.Pro1342Arg)

Gene: KIF7 (kinesin family member 7; minus strand). Cytogenetic location: 15q26.1.
Variant type: single nucleotide variant.
Coding change: c.4025C>G on transcript NM_198525.3 (MANE Select); coding-DNA position 4025, C replaced by G.
Protein change: p.Pro1342Arg; replaces proline 1342 with arginine.
Molecular consequence: missense variant.
Genome position (GRCh38, 1-based): chr15:89,628,426, G>C on the plus strand (C>G on the coding strand, the complement: KIF7 is on the minus strand). VCF-style: chr15-89628426-G-C. GRCh37 (hg19) VCF-style: chr15-90171657-G-C.
Other names: short protein forms P1342R.
Identifiers: ClinVar variation 2075304 (VCV002075304.4), dbSNP rs757991046, ClinGen allele CA7727441.
Genomic context (GRCh38, chr15:89,628,426, plus strand): 5'-CCCCTTTCAGCAGGCTCGGAGTCTCCCTCCAAGGCAGGGTCTGCCCCGAGGGCTTACAGG[G>C]GGTTTTTCCGGACATCAATCATCCCCGGGCTGGCTCGTCGCAGTTCCCGCCGGGGCTTGG-3'
Protein context (NP_940927.2, residues 1332-1343): SPGMIDVRKN[Pro1342Arg]L

ClinVar aggregate classification (germline): Uncertain significance (1 of 4 stars; one submission).

Conditions:
Acrocallosal syndrome (ACLS). Also called: HALLUX DUPLICATION, POSTAXIAL POLYDACTYLY, AND ABSENCE OF CORPUS CALLOSUM; Schinzel syndrome 1; Absence of corpus callosum with unusual facial appearance, mental deficiency, duplication of the halluces and polydactyly. Identifiers: Orphanet 36, MedGen C0796147, MONDO:0008708, OMIM 200990.

Allele frequency attached by ClinVar (database versions not stated): gnomAD exomes below 0.00001; ExAC 0.00001.

Submission:

Labcorp Genetics (formerly Invitae), Labcorp
Classification: Uncertain significance for Acrocallosal syndrome. Last evaluated: 2022-08-20. Review status: criteria provided, single submitter. Criteria: Invitae Variant Classification Sherloc (09022015). Collection method: clinical testing. Allele origin: germline.
Comment: In summary, the available evidence is currently insufficient to determine the role of this variant in disease. Therefore, it has been classified as a Variant of Uncertain Significance. Algorithms developed to predict the effect of missense changes on protein structure and function are either unavailable or do not agree on the potential impact of this missense change (SIFT: "Deleterious"; PolyPhen-2: "Probably Damaging"; Align-GVGD: "Class C0"). This variant has not been reported in the literature in individuals affected with KIF7-related conditions. This variant is present in population databases (rs757991046, gnomAD 0.006%). This sequence change replaces proline, which is neutral and non-polar, with arginine, which is basic and polar, at codon 1342 of the KIF7 protein (p.Pro1342Arg).